The following is an entry in ClinVar:

ClinVar aggregate classification (germline): Conflicting classifications of pathogenicity. Review status: criteria provided, conflicting classifications (1 of 4 stars). 5 submissions from 5 submitters: Uncertain significance (1); Benign (1); Likely benign (3). Last evaluated 2024-06-20.

Conditions:
Hereditary cancer-predisposing syndrome. Also called: Neoplastic Syndromes, Hereditary; Hereditary Cancer Syndrome; Tumor predisposition; Hereditary neoplastic syndrome. Identifiers: Orphanet 140162, MedGen C0027672, MeSH D009386, MONDO:0015356.
Familial cancer of breast. Also called: Hereditary breast cancer; BREAST CANCER, FAMILIAL; hereditary breast carcinoma. Identifiers: Orphanet 227535, MedGen C0346153, MONDO:0016419, OMIM 114480. Disease mechanism: loss of function.
Ataxia-telangiectasia syndrome (AT). Also called: LOUIS-BAR SYNDROME; Cerebello-oculocutaneous telangiectasia; Immunodeficiency with ataxia telangiectasia; Ataxia-telangiectasia, complementation group D; AT, COMPLEMENTATION GROUP C; Ataxia-telangiectasia, complementation group E. Identifiers: Orphanet 100, MedGen C0004135, MONDO:0008840, OMIM 208900.

Submissions (5):

Myriad Genetics, Inc.
Classification: Benign for Familial cancer of breast. Last evaluated: 2024-06-20. Review status: criteria provided, single submitter. Criteria: Myriad Autosomal Dominant, Autosomal Recessive and X-Linked Classification Criteria (2023). Collection method: clinical testing. Allele origin: unknown.
Comment: This variant is considered benign. This variant is a silent/synonymous amino acid change and it is not expected to impact splicing.

Labcorp Genetics (formerly Invitae), Labcorp
Classification: Likely benign for Ataxia-telangiectasia syndrome. Last evaluated: 2024-04-09. Review status: criteria provided, single submitter. Criteria: Invitae Variant Classification Sherloc (09022015). Collection method: clinical testing. Allele origin: germline.

CeGaT Center for Human Genetics Tuebingen
Classification: Likely benign. Last evaluated: 2023-08-01. Review status: criteria provided, single submitter. Criteria: CeGaT Center For Human Genetics Tuebingen Variant Classification Criteria Version 2. Collection method: clinical testing. Allele origin: germline. Affected: yes. Observed: 1 variant allele.
Comment: ATM: PM2:Supporting, BP4, BP7

Ambry Genetics
Classification: Likely benign for Hereditary cancer-predisposing syndrome. Last evaluated: 2020-10-03. Review status: criteria provided, single submitter. Criteria: Ambry Variant Classification Scheme 2023. Collection method: clinical testing. Allele origin: germline.

GeneDx
Classification: Uncertain significance. Last evaluated: 2016-04-20. Review status: criteria provided, single submitter. Criteria: GeneDx Variant Classification (06012015). Collection method: clinical testing. Allele origin: germline. Affected: yes.
Comment: This variant is denoted ATM c.8631G>A at the DNA level. This variant is silent at the coding level, preserving a Leucine at codon 2877. It is not predicted to affect splicing. ATM c.8631G>A was not observed in approximately 6,500 individuals of European and African American ancestry in the NHLBI Exome Sequencing Project, suggesting it is not a common benign variant in these populations. The nucleotide which is altered is conserved in mammals. Based on currently available information, it is unclear whether ATM c.8631G>A is a pathogenic or benign variant. We consider it to be a variant of uncertain significance.

NM_000051.4(ATM):c.8631G>A (p.Leu2877=)

Genes: C11orf65 (chromosome 11 open reading frame 65; minus strand), ATM (ATM serine/threonine kinase; plus strand). Cytogenetic location: 11q22.3.
Variant type: single nucleotide variant.
Coding change: c.8631G>A on transcript NM_000051.4 (MANE Select); coding-DNA position 8631, G replaced by A.
Protein change: p.Leu2877=; no amino-acid change (leucine 2877 retained).
Molecular consequence: synonymous variant. On other transcripts: intron variant (2).
Genome position (GRCh38, 1-based): chr11:108,347,325, G>A. VCF-style: chr11-108347325-G-A. GRCh37 (hg19) VCF-style: chr11-108218052-G-A.
Other names: c.641-38254C>T (NM_001330368.2); c.695-12033C>T (NM_001351110.2); c.8631G>A, p.Leu2877= (NM_001351834.2).
Identifiers: ClinVar variation 420998 (VCV000420998.32), dbSNP rs1064794840, ClinGen allele CA16619264.